The following is an entry in ClinVar:

NM_015374.3(SUN2):c.1879G>C (p.Glu627Gln)

Genes: GTPBP1 (GTP binding protein 1; plus strand), SUN2 (Sad1 and UNC84 domain containing 2; minus strand). Cytogenetic location: 22q13.1.
Variant type: single nucleotide variant.
Coding change: c.1879G>C on transcript NM_015374.3 (MANE Select); coding-DNA position 1879, G replaced by C.
Protein change: p.Glu627Gln; replaces glutamic acid 627 with glutamine.
Molecular consequence: missense variant.
Genome position (GRCh38, 1-based): chr22:38,738,655, C>G on the plus strand (G>C on the coding strand, the complement: SUN2 is on the minus strand). VCF-style: chr22-38738655-C-G. GRCh37 (hg19) VCF-style: chr22-39134660-C-G.
Other names: c.1942G>C, p.Glu648Gln (NM_001199579.2); c.1879G>C, p.Glu627Gln (NM_001199580.2); short protein forms E627Q, E648Q.
Identifiers: ClinVar variation 1039147 (VCV001039147.8), dbSNP rs769627673, ClinGen allele CA10235397.

ClinVar aggregate classification (germline): Uncertain significance (1 of 4 stars; one submission).

Conditions:
Emery-Dreifuss muscular dystrophy (EDMD). Also called: Scapuloperoneal syndrome, X-linked (formerly); Humeroperoneal neuromuscular disease, (formerly). Identifiers: Orphanet 261, MedGen C0410189, MONDO:0016830.

Allele frequency attached by ClinVar (database versions not stated): gnomAD exomes 0.00001 and 0.00002; ExAC 0.00003.
gnomAD v4.1: 14 of 1,614,040 alleles (0.00087%); highest among the groups gnomAD compares: Middle Eastern, 0.016%; no homozygotes.

Submission:

Labcorp Genetics (formerly Invitae), Labcorp
Classification: Uncertain significance for Emery-Dreifuss muscular dystrophy. Last evaluated: 2020-10-08. Review status: criteria provided, single submitter. Criteria: Invitae Variant Classification Sherloc (09022015). Collection method: clinical testing. Allele origin: germline.
Comment: This sequence change replaces glutamic acid with glutamine at codon 627 of the SUN2 protein (p.Glu627Gln). The glutamic acid residue is highly conserved and there is a small physicochemical difference between glutamic acid and glutamine. This variant is present in population databases (rs769627673, ExAC 0.02%). This variant has not been reported in the literature in individuals with SUN2-related conditions. Algorithms developed to predict the effect of missense changes on protein structure and function are either unavailable or do not agree on the potential impact of this missense change (SIFT: "Deleterious"; PolyPhen-2: "Probably Damaging"; Align-GVGD: "Class C0"). In summary, the available evidence is currently insufficient to determine the role of this variant in disease. Therefore, it has been classified as a Variant of Uncertain Significance.